The following is an entry in ClinVar:

ClinVar aggregate classification (germline): Benign/Likely benign. Review status: criteria provided, multiple submitters, no conflicts (2 of 4 stars). 4 submissions from 4 submitters: Benign (1); Likely benign (2). 1 of the submissions does not count toward it. Last evaluated 2026-08-01.

Conditions:
LONP1-related disorder. Also called: LONP1-related disorders; LONP1-related condition.

Allele frequency attached by ClinVar (database versions not stated): 1000 Genomes Project 30x 0.00109; gnomAD 0.00020 and 0.00029; TOPMed 0.00023; ESP Exome Variant Server 0.00031; gnomAD exomes 0.00038 and 0.00050; ExAC 0.00049; 1000 Genomes Project 0.00100.
gnomAD v4.1: 599 of 1,613,430 alleles (0.037%); highest among the groups gnomAD compares: South Asian, 0.21%; 1 homozygote.

Submissions (4):

CeGaT Center for Human Genetics Tuebingen
Classification: Likely benign. Last evaluated: 2026-08-01. Review status: criteria provided, single submitter. Criteria: CeGaT Center For Human Genetics Tuebingen Variant Classification Criteria Version 2. Collection method: clinical testing. Allele origin: germline. Affected: yes. Observed: 3 variant alleles.
Comment: LONP1: BP4, BP7

Labcorp Genetics (formerly Invitae), Labcorp
Classification: Benign. Last evaluated: 2026-01-26. Review status: criteria provided, single submitter. Criteria: Invitae Variant Classification Sherloc (09022015). Collection method: clinical testing. Allele origin: germline.

Blueprint Genetics
Classification: Likely benign. Last evaluated: 2024-11-18. Review status: criteria provided, single submitter. Criteria: ACMG Guidelines, 2015. Collection method: clinical testing. Allele origin: germline.

PreventionGenetics, part of Exact Sciences
Classification: Likely benign for LONP1-related condition. Last evaluated: 2019-08-14. Review status: no assertion criteria provided. Collection method: clinical testing. Allele origin: germline. Not counted in ClinVar's aggregate classification.
Comment: This variant is classified as likely benign based on ACMG/AMP sequence variant interpretation guidelines (Richards et al. 2015 PMID: 25741868, with internal and published modifications).

NM_004793.4(LONP1):c.1710C>T (p.Pro570=)

Gene: LONP1 (lon peptidase 1, mitochondrial; minus strand). Cytogenetic location: 19p13.3.
Variant type: single nucleotide variant.
Coding change: c.1710C>T on transcript NM_004793.4 (MANE Select); coding-DNA position 1710, C replaced by T.
Protein change: p.Pro570=; no amino-acid change (proline 570 retained).
Molecular consequence: synonymous variant. On other transcripts: non-coding transcript variant (1).
Genome position (GRCh38, 1-based): chr19:5,696,733, G>A on the plus strand (C>T on the coding strand, the complement: LONP1 is on the minus strand). VCF-style: chr19-5696733-G-A. GRCh37 (hg19) VCF-style: chr19-5696744-G-A.
Other names: c.1518C>T, p.Pro506= (NM_001276479.2); c.1122C>T, p.Pro374= (NM_001276480.1).
Identifiers: ClinVar variation 717668 (VCV000717668.32), dbSNP rs200136098, ClinGen allele CA9114544.